The following is an entry in ClinVar:

NM_000064.4(C3):c.1442G>C (p.Arg481Pro)

Gene: C3 (complement C3; minus strand). Cytogenetic location: 19p13.3.
Variant type: single nucleotide variant.
Coding change: c.1442G>C on transcript NM_000064.4 (MANE Select); coding-DNA position 1442, G replaced by C.
Protein change: p.Arg481Pro; replaces arginine 481 with proline.
Molecular consequence: missense variant.
Genome position (GRCh38, 1-based): chr19:6,711,024, C>G on the plus strand (G>C on the coding strand, the complement: C3 is on the minus strand). VCF-style: chr19-6711024-C-G. GRCh37 (hg19) VCF-style: chr19-6711035-C-G.
Other names: short protein forms R481P.
Identifiers: ClinVar variation 2101251 (VCV002101251.4), dbSNP rs758391076, ClinGen allele CA403640884.

ClinVar aggregate classification (germline): Uncertain significance (1 of 4 stars; one submission).

Submission:

Labcorp Genetics (formerly Invitae), Labcorp
Classification: Uncertain significance. Last evaluated: 2023-08-10. Review status: criteria provided, single submitter. Criteria: Invitae Variant Classification Sherloc (09022015). Collection method: clinical testing. Allele origin: germline.
Comment: This sequence change replaces arginine, which is basic and polar, with proline, which is neutral and non-polar, at codon 481 of the C3 protein (p.Arg481Pro). This variant is not present in population databases (gnomAD no frequency). This variant has not been reported in the literature in individuals affected with C3-related conditions. ClinVar contains an entry for this variant (Variation ID: 2101251). Algorithms developed to predict the effect of missense changes on protein structure and function output the following: SIFT: "Not Available"; PolyPhen-2: "Benign"; Align-GVGD: "Not Available". The proline amino acid residue is found in multiple mammalian species, which suggests that this missense change does not adversely affect protein function. In summary, the available evidence is currently insufficient to determine the role of this variant in disease. Therefore, it has been classified as a Variant of Uncertain Significance.